The following is an entry in ClinVar:

ClinVar aggregate classification (germline): Conflicting classifications of pathogenicity. Review status: criteria provided, conflicting classifications (1 of 4 stars). 6 submissions from 6 submitters: Uncertain significance (3); Likely benign (1). 2 of the submissions do not count toward it. Last evaluated 2025-11-05.

Conditions:
Familial Mediterranean fever (FMF). Also called: Periodic peritonitis; Benign paroxysmal peritonitis; POLYSEROSITIS, FAMILIAL PAROXYSMAL; POLYSEROSITIS, RECURRENT. Identifiers: Orphanet 342, MedGen C0031069, MONDO:0018088, OMIM 249100. Disease mechanism: gain of function.
MEFV-related disorder. Also called: MEFV-related disorders; MEFV-related condition.
Autoinflammatory syndrome. Identifiers: Orphanet 93665, MedGen C3890737, MONDO:0019751.

Allele frequency attached by ClinVar (database versions not stated): TOPMed 0.00010; ESP Exome Variant Server 0.00015; gnomAD 0.00066.

Submissions (6):

Labcorp Genetics (formerly Invitae), Labcorp
Classification: Likely benign for Familial Mediterranean fever. Last evaluated: 2025-11-05. Review status: criteria provided, single submitter. Criteria: Invitae Variant Classification Sherloc (09022015). Collection method: clinical testing. Allele origin: germline.

Women's Health and Genetics/Laboratory Corporation of America, LabCorp
Classification: Uncertain significance. Last evaluated: 2025-03-14. Review status: criteria provided, single submitter. Criteria: LabCorp Variant Classification Summary - May 2015. Collection method: clinical testing. Allele origin: germline.
Comment: Variant summary: MEFV c.2149C>T (p.Arg717Cys) results in a non-conservative amino acid change in the encoded protein sequence. Four of five in-silico tools predict a benign effect of the variant on protein function. The variant allele was found at a frequency of 0.00032 in 1614064 control chromosomes, predominantly at a frequency of 0.0052 within the Finnish subpopulation in the gnomAD database. This frequency is not significantly higher than estimated for a pathogenic variant in MEFV causing Familial Mediterranean Fever (0.00032 vs 0.022), allowing no conclusion about variant significance. To our knowledge, no occurrence of c.2149C>T in individuals affected with Familial Mediterranean Fever and no experimental evidence demonstrating its impact on protein function have been reported. ClinVar contains an entry for this variant (Variation ID: 740298). Based on the evidence outlined above, the variant was classified as uncertain significance.

Genome Diagnostics Laboratory, The Hospital for Sick Children
Classification: Uncertain significance for Autoinflammatory syndrome. Last evaluated: 2021-12-24. Review status: criteria provided, single submitter. Criteria: ACMG Guidelines, 2015. Collection method: clinical testing. Allele origin: germline. Affected: yes.

CeGaT Center for Human Genetics Tuebingen
Classification: Uncertain significance. Last evaluated: 2020-09-01. Review status: criteria provided, single submitter. Criteria: CeGaT Center For Human Genetics Tuebingen Variant Classification Criteria Version 2. Collection method: clinical testing. Allele origin: germline. Affected: yes. Observed: 1 variant allele.

Molecular Genetics Laboratory, BC Children's and BC Women's Hospitals
Classification: Uncertain significance for Familial Mediterranean fever. Last evaluated: 2023-04-21. Review status: no assertion criteria provided. Criteria: ACMG Guidelines, 2015. Collection method: clinical testing. Allele origin: germline. Affected: yes. Not counted in ClinVar's aggregate classification.

PreventionGenetics, part of Exact Sciences
Classification: Likely benign for MEFV-related condition. Last evaluated: 2020-02-14. Review status: no assertion criteria provided. Collection method: clinical testing. Allele origin: germline. Not counted in ClinVar's aggregate classification.
Comment: This variant is classified as likely benign based on ACMG/AMP sequence variant interpretation guidelines (Richards et al. 2015 PMID: 25741868, with internal and published modifications).

NM_000243.3(MEFV):c.2149C>T (p.Arg717Cys)

Genes: MEFV (MEFV innate immunity regulator, pyrin; minus strand), LOC126862264 (CDK7 strongly-dependent group 2 enhancer GRCh37_chr16:3293322-3294521; plus strand). Cytogenetic location: 16p13.3.
Variant type: single nucleotide variant.
Coding change: c.2149C>T on transcript NM_000243.3 (MANE Select); coding-DNA position 2149, C replaced by T.
Protein change: p.Arg717Cys; replaces arginine 717 with cysteine.
Molecular consequence: missense variant. On other transcripts: 3 prime UTR variant (1).
Genome position (GRCh38, 1-based): chr16:3,243,338, G>A on the plus strand (C>T on the coding strand, the complement: MEFV is on the minus strand). VCF-style: chr16-3243338-G-A. GRCh37 (hg19) VCF-style: chr16-3293338-G-A.
Other names: c.*353C>T (NM_001198536.2); short protein forms R717C.
Identifiers: ClinVar variation 740298 (VCV000740298.53), dbSNP rs104895192, ClinGen allele CA7859867.
Genomic context (GRCh38, chr16:3,243,338, plus strand): 5'-TGGCTGTCACATTGTAAAAGGAGATGCTTCCAACTCTGTAGTCCACGAAGATGCCCACAC[G>A]CTTGGGAGGCTCCTTTATTAGCAGGCGGGTCGGGGGAACGCTGGACGCCTGGTACTCATT-3'
Protein context (NP_000234.1, residues 707-727): TRLLIKEPPK[Arg717Cys]VGIFVDYRVG